The following is an entry in ClinVar:

ClinVar aggregate classification (germline): Uncertain significance (1 of 4 stars; one submission).

Conditions:
Perlman syndrome (PRLMNS). Identifiers: Orphanet 2849, MedGen C0796113, MONDO:0009965, OMIM 267000.

Submission:

Labcorp Genetics (formerly Invitae), Labcorp
Classification: Uncertain significance for Perlman syndrome. Last evaluated: 2022-10-01. Review status: criteria provided, single submitter. Criteria: Invitae Variant Classification Sherloc (09022015). Collection method: clinical testing. Allele origin: germline.
Comment: This sequence change replaces leucine, which is neutral and non-polar, with phenylalanine, which is neutral and non-polar, at codon 816 of the DIS3L2 protein (p.Leu816Phe). This variant is not present in population databases (gnomAD no frequency). In summary, the available evidence is currently insufficient to determine the role of this variant in disease. Therefore, it has been classified as a Variant of Uncertain Significance. Algorithms developed to predict the effect of missense changes on protein structure and function are either unavailable or do not agree on the potential impact of this missense change (SIFT: "Tolerated"; PolyPhen-2: "Possibly Damaging"; Align-GVGD: "Class C0"). This variant has not been reported in the literature in individuals affected with DIS3L2-related conditions.

NM_152383.5(DIS3L2):c.2446C>T (p.Leu816Phe)

Gene: DIS3L2 (DIS3 like 3'-5' exoribonuclease 2; plus strand). Cytogenetic location: 2q37.1.
Variant type: single nucleotide variant.
Coding change: c.2446C>T on transcript NM_152383.5 (MANE Select); coding-DNA position 2446, C replaced by T.
Protein change: p.Leu816Phe; replaces leucine 816 with phenylalanine.
Molecular consequence: missense variant. On other transcripts: non-coding transcript variant (2), intron variant (1).
Genome position (GRCh38, 1-based): chr2:232,335,824, C>T. VCF-style: chr2-232335824-C-T. GRCh37 (hg19) VCF-style: chr2-233200534-C-T.
Other names: c.1582-7521C>T (NM_001257281.2); short protein forms L816F.
Identifiers: ClinVar variation 1720804 (VCV001720804.5), dbSNP rs2469452916, ClinGen allele CA350978248.